The following is an entry in ClinVar:

NM_001372044.2(SHANK3):c.4579G>C (p.Ala1527Pro)

Gene: SHANK3 (SH3 and multiple ankyrin repeat domains 3; plus strand). Cytogenetic location: 22q13.33.
Variant type: single nucleotide variant.
Coding change: c.4579G>C on transcript NM_001372044.2 (MANE Select); coding-DNA position 4579, G replaced by C.
Protein change: p.Ala1527Pro; replaces alanine 1527 with proline.
Molecular consequence: missense variant.
Genome position (GRCh38, 1-based): chr22:50,722,187, G>C. VCF-style: chr22-50722187-G-C. GRCh37 (hg19) VCF-style: chr22-51160615-G-C.
Other names: c.4354G>C (NM_033517.1); short protein forms A1527P.
Identifiers: ClinVar variation 3774038 (VCV003774038.1).

ClinVar aggregate classification (germline): Uncertain significance (1 of 4 stars; one submission).

Submission:

GeneDx
Classification: Uncertain significance. Last evaluated: 2024-09-19. Review status: criteria provided, single submitter. Criteria: GeneDx Variant Classification Process June 2021. Collection method: clinical testing. Allele origin: germline. Affected: yes.
Comment: Not observed at significant frequency in large population cohorts (gnomAD); In silico analysis indicates that this missense variant does not alter protein structure/function; Has not been previously published as pathogenic or benign to our knowledge